The following is an entry in ClinVar:

NM_004629.2(FANCG):c.1749del (p.Asp584fs)

Gene: FANCG (FA complementation group G; minus strand). Cytogenetic location: 9p13.3.
Variant type: Deletion.
Coding change: c.1749del on transcript NM_004629.2 (MANE Select); coding-DNA position 1749, one base deleted (A; older notation c.1749delA).
Protein change: p.Asp584fs; shifts the reading frame from aspartic acid 584.
Molecular consequence: frameshift variant.
Genome position (GRCh38, 1-based): chr9:35,074,382, T deleted on the plus strand (A on the coding strand, the reverse complement: FANCG is on the minus strand); the first of 2 consecutive T bases (chr9:35,074,382-35,074,383); deleting either gives the same sequence. VCF-style (leftmost placement, unchanged base first): chr9-35074381-CT-C. GRCh37 (hg19) VCF-style: chr9-35074378-CT-C.
Other names: c.1749delA (NM_004629.2); short protein forms D584fs.
Identifiers: ClinVar variation 929706 (VCV000929706.3), dbSNP rs1829040508, ClinGen allele CA1139660947.

ClinVar aggregate classification (germline): Pathogenic. Review status: criteria provided, multiple submitters, no conflicts (2 of 4 stars). 3 submissions from 3 submitters: Pathogenic (2). 1 of the submissions does not count toward it. Last evaluated 2024-12-19.

Conditions:
Fanconi anemia complementation group G. Also called: FANCG-Related Fanconi Anemia; Fanconi anemia group G. Identifiers: Orphanet 84, MedGen C3469527, MONDO:0013565, OMIM 614082.

Submissions (3):

Genomic Medicine Center of Excellence, King Faisal Specialist Hospital and Research Centre
Classification: Pathogenic for Fanconi anemia complementation group G. Last evaluated: 2024-12-19. Review status: criteria provided, single submitter. Criteria: ACMG Guidelines, 2015. Collection method: clinical testing. Allele origin: germline.

Daryl Scott Lab, Baylor College of Medicine
Classification: Pathogenic for Fanconi anemia complementation group G. Last evaluated: 2024-01-01. Review status: criteria provided, single submitter. Criteria: ACMG Guidelines, 2015. Collection method: clinical testing. Allele origin: biparental. Affected: yes. Observed: 1 homozygote.
Comment: PVS1, PM2

Leiden Open Variation Database
Classification: Pathogenic for Fanconi anemia complementation group G. Last evaluated: 2020-02-28. Review status: no assertion criteria provided. Collection method: curation. Allele origin: germline. Affected: yes. Not counted in ClinVar's aggregate classification.
Comment: Curator: Arleen D. Auerbach. Submitter to LOVD: Arleen D. Auerbach.

Literature cited by the submitters: PubMed 11093276 (cited by Leiden Open Variation Database).